The following is an entry in ClinVar:

ClinVar aggregate classification (germline): Uncertain significance. Review status: criteria provided, multiple submitters, no conflicts (2 of 4 stars). 3 submissions from 3 submitters: Uncertain significance (3). Last evaluated 2025-03-20.

Conditions:
Familial adenomatous polyposis 1 (FAP1). Also called: FAMILIAL ADENOMATOUS POLYPOSIS 1, ATTENUATED; POLYPOSIS, ADENOMATOUS INTESTINAL. Identifiers: MedGen C2713442, MONDO:0021056, OMIM 175100. Disease mechanism: loss of function.
Hereditary cancer-predisposing syndrome. Also called: Neoplastic Syndromes, Hereditary; Tumor predisposition; Hereditary Cancer Syndrome; Hereditary neoplastic syndrome. Identifiers: Orphanet 140162, MedGen C0027672, MeSH D009386, MONDO:0015356.

Allele frequency attached by ClinVar (database versions not stated): gnomAD exomes below 0.00001; TOPMed below 0.00001; gnomAD 0.00001.
gnomAD v4.1: 3 of 1,613,798 alleles (0.00019%); highest among the groups gnomAD compares: African/African-American, 0.004%; no homozygotes.

Submissions (3):

Labcorp Genetics (formerly Invitae), Labcorp
Classification: Uncertain significance for Familial adenomatous polyposis 1. Last evaluated: 2025-03-20. Review status: criteria provided, single submitter. Criteria: Invitae Variant Classification Sherloc (09022015). Collection method: clinical testing. Allele origin: germline.
Comment: This sequence change replaces glycine, which is neutral and non-polar, with arginine, which is basic and polar, at codon 2235 of the APC protein (p.Gly2235Arg). This variant is not present in population databases (gnomAD no frequency). This variant has not been reported in the literature in individuals affected with APC-related conditions. ClinVar contains an entry for this variant (Variation ID: 485111). Invitae Evidence Modeling of protein sequence and biophysical properties (such as structural, functional, and spatial information, amino acid conservation, physicochemical variation, residue mobility, and thermodynamic stability) indicates that this missense variant is not expected to disrupt APC protein function with a negative predictive value of 95%. In summary, the available evidence is currently insufficient to determine the role of this variant in disease. Therefore, it has been classified as a Variant of Uncertain Significance.

Color Diagnostics, LLC DBA Color Health
Classification: Uncertain significance for Hereditary cancer-predisposing syndrome. Last evaluated: 2023-12-04. Review status: criteria provided, single submitter. Criteria: ACMG Guidelines, 2015. Collection method: clinical testing. Allele origin: germline.
Comment: This missense variant replaces glycine with arginine at codon 2235 of the APC protein. Computational prediction suggests that this variant may not impact protein structure and function (internally defined REVEL score threshold <= 0.5, PMID: 27666373). To our knowledge, functional studies have not been reported for this variant. This variant has not been reported in individuals affected with APC-related disorders in the literature. This variant has not been identified in the general population by the Genome Aggregation Database (gnomAD). The available evidence is insufficient to determine the role of this variant in disease conclusively. Therefore, this variant is classified as a Variant of Uncertain Significance.

Ambry Genetics
Classification: Uncertain significance for Hereditary cancer-predisposing syndrome. Last evaluated: 2020-06-10. Review status: criteria provided, single submitter. Criteria: Ambry Variant Classification Scheme 2023. Collection method: clinical testing. Allele origin: germline.
Comment: The p.G2235R variant (also known as c.6703G>A), located in coding exon 15 of the APC gene, results from a G to A substitution at nucleotide position 6703. The glycine at codon 2235 is replaced by arginine, an amino acid with dissimilar properties. This amino acid position is highly conserved in available vertebrate species. In addition, in silico predictors for this gene do not accurately predict pathogenicity. Since supporting evidence is limited at this time, the clinical significance of this alteration remains unclear.

NM_000038.6(APC):c.6703G>A (p.Gly2235Arg)

Gene: APC (APC regulator of Wnt signaling pathway; plus strand). Cytogenetic location: 5q22.2.
Variant type: single nucleotide variant.
Coding change: c.6703G>A on transcript NM_000038.6 (MANE Select); coding-DNA position 6703, G replaced by A.
Protein change: p.Gly2235Arg; replaces glycine 2235 with arginine.
Molecular consequence: missense variant.
Genome position (GRCh38, 1-based): chr5:112,842,297, G>A. VCF-style: chr5-112842297-G-A. GRCh37 (hg19) VCF-style: chr5-112177994-G-A.
Other names: c.6703G>A, p.Gly2235Arg (NM_001127510.3, NM_001354895.2); c.6649G>A, p.Gly2217Arg (NM_001127511.3); c.6757G>A, p.Gly2253Arg (NM_001354896.2); c.6733G>A, p.Gly2245Arg (NM_001354897.2); c.6628G>A, p.Gly2210Arg (NM_001354898.2); c.6619G>A, p.Gly2207Arg (NM_001354899.2); c.6580G>A, p.Gly2194Arg (NM_001354900.2); c.6526G>A, p.Gly2176Arg (NM_001354901.2); and 5 more; short protein forms G2217R, G2235R, G2176R, G2075R, G1952R, G2109R, G2207R, G2210R.
Identifiers: ClinVar variation 485111 (VCV000485111.19), dbSNP rs1432451765, ClinGen allele CA16035982.